The following is an entry in ClinVar:

ClinVar aggregate classification (germline): Pathogenic (1 of 4 stars; one submission).

Conditions:
Pitt-Hopkins-like syndrome 2 (PTHSL2). Identifiers: Orphanet 221150, Orphanet 600663, MedGen C3280479, MONDO:0013690, OMIM 614325.

gnomAD v4.1: 1 of 1,568,158 alleles (0.000064%); no homozygotes.

Submission:

Labcorp Genetics (formerly Invitae), Labcorp
Classification: Pathogenic for Pitt-Hopkins-like syndrome 2. Last evaluated: 2025-08-01. Review status: criteria provided, single submitter. Criteria: Invitae Variant Classification Sherloc (09022015). Collection method: clinical testing. Allele origin: germline.
Comment: This sequence change creates a premature translational stop signal (p.Glu51*) in the NRXN1 gene. It is expected to result in an absent or disrupted protein product. Loss-of-function variants in NRXN1 are known to be pathogenic (PMID: 19896112, 21964664, 23495017, 23533028, 25149956, 30031152). This variant is not present in population databases (gnomAD no frequency). This variant has not been reported in the literature in individuals affected with NRXN1-related conditions. For these reasons, this variant has been classified as Pathogenic.

Literature cited by the submitters: PubMed 19896112; PubMed 21964664; PubMed 23495017; PubMed 23533028; PubMed 25149956; PubMed 30031152.

NM_001330078.2(NRXN1):c.151G>T (p.Glu51Ter)

Gene: NRXN1 (neurexin 1; minus strand). Cytogenetic location: 2p16.3.
Variant type: single nucleotide variant.
Coding change: c.151G>T on transcript NM_001330078.2 (MANE Select); coding-DNA position 151, G replaced by T.
Protein change: p.Glu51Ter; replaces glutamic acid 51 with a stop codon.
Molecular consequence: nonsense.
Genome position (GRCh38, 1-based): chr2:51,028,123, C>A on the plus strand (G>T on the coding strand, the complement: NRXN1 is on the minus strand). VCF-style: chr2-51028123-C-A. GRCh37 (hg19) VCF-style: chr2-51255261-C-A.
Other names: c.151G>T, p.Glu51Ter (NM_001135659.3, NM_001330077.2, NM_001330079.2 and 15 more transcripts); short protein forms E51*.
Identifiers: ClinVar variation 4724231 (VCV004724231.1).